The following is an entry in ClinVar:

NM_001378030.1(CCDC78):c.1281C>T (p.Tyr427=)

Gene: CCDC78 (coiled-coil domain containing 78; minus strand). Cytogenetic location: 16p13.3.
Variant type: single nucleotide variant.
Coding change: c.1281C>T on transcript NM_001378030.1 (MANE Select); coding-DNA position 1281, C replaced by T.
Protein change: p.Tyr427=; no amino-acid change (tyrosine 427 retained).
Molecular consequence: synonymous variant. On other transcripts: missense variant (1), non-coding transcript variant (5).
Genome position (GRCh38, 1-based): chr16:722,942, G>A on the plus strand (C>T on the coding strand, the complement: CCDC78 is on the minus strand). VCF-style: chr16-722942-G-A. GRCh37 (hg19) VCF-style: chr16-772942-G-A.
Other names: c.1277C>T, p.Thr426Met (NM_001031737.3); c.1101C>T, p.Tyr367= (NM_001378031.1); c.714C>T, p.Tyr238= (NM_001378033.1); short protein forms T426M.
Identifiers: ClinVar variation 573114 (VCV000573114.27), dbSNP rs142180051, ClinGen allele CA7789095.

ClinVar aggregate classification (germline): Conflicting classifications of pathogenicity. Review status: criteria provided, conflicting classifications (1 of 4 stars). 2 submissions from 2 submitters: Uncertain significance (1); Likely benign (1). Last evaluated 2025-06-11.

Conditions:
Congenital myopathy with internal nuclei and atypical cores. Also called: Myopathy, centronuclear, 4. Identifiers: Orphanet 319160, MedGen C4707232, MONDO:0013890, OMIM 614807.

Allele frequency attached by ClinVar (database versions not stated): gnomAD exomes 0.00002; ExAC 0.00003; gnomAD 0.00003 and 0.00004; ESP Exome Variant Server 0.00008; TOPMed 0.00008.
gnomAD v4.1: 32 of 1,612,130 alleles (0.002%); highest among the groups gnomAD compares: African/African-American, 0.013%; no homozygotes.

Submissions (2):

Labcorp Genetics (formerly Invitae), Labcorp
Classification: Uncertain significance for Congenital myopathy with internal nuclei and atypical cores. Last evaluated: 2025-06-11. Review status: criteria provided, single submitter. Criteria: Invitae Variant Classification Sherloc (09022015). Collection method: clinical testing. Allele origin: germline.
Comment: This sequence change replaces threonine, which is neutral and polar, with methionine, which is neutral and non-polar, at codon 426 of the CCDC78 protein (p.Thr426Met). This variant is present in population databases (rs142180051, gnomAD 0.02%). This variant has not been reported in the literature in individuals affected with CCDC78-related conditions. ClinVar contains an entry for this variant (Variation ID: 573114). Invitae Evidence Modeling of protein sequence and biophysical properties (such as structural, functional, and spatial information, amino acid conservation, physicochemical variation, residue mobility, and thermodynamic stability) indicates that this missense variant is not expected to disrupt CCDC78 protein function with a negative predictive value of 80%. In summary, the available evidence is currently insufficient to determine the role of this variant in disease. Therefore, it has been classified as a Variant of Uncertain Significance.

CeGaT Center for Human Genetics Tuebingen
Classification: Likely benign. Last evaluated: 2024-05-01. Review status: criteria provided, single submitter. Criteria: CeGaT Center For Human Genetics Tuebingen Variant Classification Criteria Version 2. Collection method: clinical testing. Allele origin: germline. Affected: yes. Observed: 1 variant allele.
Comment: CCDC78: BP4